The following is an entry in ClinVar:

ClinVar aggregate classification (germline): Pathogenic (1 of 4 stars; one submission).

Conditions:
Familial melanoma. Also called: Hereditary melanoma; Hereditary cutaneous melanoma. Identifiers: Orphanet 618, MedGen C1512419, MONDO:0018961.

Submission:

Labcorp Genetics (formerly Invitae), Labcorp
Classification: Pathogenic for Familial melanoma. Last evaluated: 2025-03-31. Review status: criteria provided, single submitter. Criteria: Invitae Variant Classification Sherloc (09022015). Collection method: clinical testing. Allele origin: germline.
Comment: This sequence change affects a donor splice site in intron 2 of the CDKN2A (p16INK4a) gene. RNA analysis indicates that disruption of this splice site induces altered splicing and may result in an absent or altered protein product. This variant is not present in population databases (gnomAD no frequency). Disruption of this splice site has been observed in individual(s) with melanoma and pancreatic cancer (PMID: 10861313, 15140239). This variant is also known as IVS2+2T>G. ClinVar contains an entry for this variant (Variation ID: 1510258). Variants that disrupt the consensus splice site are a relatively common cause of aberrant splicing (PMID: 17576681, 9536098). Studies have shown that disruption of this splice site results in activation of a cryptic splice site, and produces a non-functional protein and/or introduces a premature termination codon (PMID: 1285398, 14508519). For these reasons, this variant has been classified as Pathogenic.

Literature cited by the submitters: PubMed 10861313; PubMed 15140239; PubMed 17576681; PubMed 9536098; PubMed 1285398; PubMed 14508519.

NM_000077.5(CDKN2A):c.457+2T>G

Gene: CDKN2A (cyclin dependent kinase inhibitor 2A; minus strand). Cytogenetic location: 9p21.3.
Variant type: single nucleotide variant.
Coding change: c.457+2T>G on transcript NM_000077.5 (MANE Select); the canonical splice donor site of the intron after coding-DNA position 457, T replaced by G.
Molecular consequence: splice donor variant.
Genome position (GRCh38, 1-based): chr9:21,970,900, A>C on the plus strand (T>G on the coding strand, the complement: CDKN2A is on the minus strand). VCF-style: chr9-21970900-A-C. GRCh37 (hg19) VCF-style: chr9-21970899-A-C.
Other names: c.304+2T>G (NM_001363763.2); c.*101+2T>G (NM_058195.4); c.457+2T>G (NM_001195132.2); c.*380+2T>G (NM_058197.5).
Identifiers: ClinVar variation 1510258 (VCV001510258.6), dbSNP rs1587330309, ClinGen allele CA373085800.